The following is an entry in ClinVar:

ClinVar aggregate classification (germline): Uncertain significance. Review status: criteria provided, multiple submitters, no conflicts (2 of 4 stars). 3 submissions from 3 submitters: Uncertain significance (3). Last evaluated 2025-04-04.

Conditions:
Hereditary pancreatitis (PCTT). Also called: PRSS1-Related Hereditary Pancreatitis; Hereditary chronic pancreatitis. Identifiers: Orphanet 676, MedGen C0238339, MONDO:0008185, OMIM 167800.

Submissions (3):

Women's Health and Genetics/Laboratory Corporation of America, LabCorp
Classification: Uncertain significance. Last evaluated: 2025-04-04. Review status: criteria provided, single submitter. Criteria: LabCorp Variant Classification Summary - May 2015. Collection method: clinical testing. Allele origin: germline.
Comment: Variant summary: PRSS1 c.491delC (p.Pro164LeufsX3) results in a premature termination codon, predicted to cause a truncation of the encoded protein or absence of the protein due to nonsense mediated decay, however current evidence is not sufficient to establish loss of function as a mechanism for disease. The variant allele was found at a frequency of 1.2e-05 in 1614032 control chromosomes (gnomAD database v4). This frequency is not significantly higher than estimated for a pathogenic variant in PRSS1 causing Chronic Pancreatitis Risk (1.2e-05 vs 0.00025), allowing no conclusion about variant significance. To our knowledge, no occurrence of c.491delC in individuals affected with Chronic Pancreatitis Risk and no experimental evidence demonstrating its impact on protein function have been reported. ClinVar contains an entry for this variant (Variation ID: 936275). Based on the evidence outlined above, the variant was classified as uncertain significance.

Ambry Genetics
Classification: Uncertain significance for Hereditary pancreatitis. Last evaluated: 2025-03-01. Review status: criteria provided, single submitter. Criteria: Ambry Variant Classification Scheme 2023. Collection method: clinical testing. Allele origin: germline.
Comment: The c.491delC variant, located in coding exon 4 of the PRSS1 gene, results from a deletion of one nucleotide at nucleotide position 491, causing a translational frameshift with a predicted alternate stop codon (p.P164Lfs*3). This alteration is expected to result in loss of function by premature protein truncation or nonsense-mediated mRNA decay. However, loss of function of PRSS1 has not been established as a mechanism of disease. Based on the available evidence, the clinical significance of this alteration remains unclear.

Labcorp Genetics (formerly Invitae), Labcorp
Classification: Uncertain significance for Hereditary pancreatitis. Last evaluated: 2024-03-06. Review status: criteria provided, single submitter. Criteria: Invitae Variant Classification Sherloc (09022015). Collection method: clinical testing. Allele origin: germline.
Comment: This sequence change creates a premature translational stop signal (p.Pro164Leufs*3) in the PRSS1 gene. It is expected to result in an absent or disrupted protein product. However, the current clinical and genetic evidence is not sufficient to establish whether loss-of-function variants in PRSS1 cause disease. The frequency data for this variant in the population databases is considered unreliable, as metrics indicate poor data quality at this position in the gnomAD database. This premature translational stop signal has been observed in individual(s) with prostate cancer (PMID: 29915322). ClinVar contains an entry for this variant (Variation ID: 936275). Algorithms developed to predict the effect of sequence changes on RNA splicing suggest that this variant may disrupt the consensus splice site. In summary, the available evidence is currently insufficient to determine the role of this variant in disease. Therefore, it has been classified as a Variant of Uncertain Significance.

Literature cited by the submitters: PubMed 29915322 (cited by Labcorp Genetics (formerly Invitae), Labcorp).

NM_002769.5(PRSS1):c.491del (p.Pro164fs)

Genes: TRB (T cell receptor beta locus; plus strand), PRSS1 (serine protease 1; plus strand). Cytogenetic location: 7q34.
Variant type: Deletion.
Coding change: c.491del on transcript NM_002769.5 (MANE Select); coding-DNA position 491, one base deleted (C; older notation c.491delC).
Protein change: p.Pro164fs; shifts the reading frame from proline 164.
Molecular consequence: frameshift variant.
Genome position (GRCh38, 1-based): chr7:142,752,467, C deleted; the last of 2 consecutive C bases (chr7:142,752,466-142,752,467); deleting either gives the same sequence. VCF-style (leftmost placement, unchanged base first): chr7-142752465-TC-T. GRCh37 (hg19) VCF-style: chr7-142460316-TC-T.
Other names: c.491delC (NM_002769.4, NM_002769.5); short protein forms P164fs.
Identifiers: ClinVar variation 936275 (VCV000936275.12), dbSNP rs766199324, ClinGen allele CA4530032.
Genomic context (GRCh38, chr7:142,752,465, plus strand): 5'-CTTTGATCTCTTCCTGATCCTCACAGCCGACTACCCAGACGAGCTGCAGTGCCTGGATGC[TC>T]CTGTGCTGAGCCAGGCTAAGTGTGAAGCCTCCTACCCTGGAAAGATTACCAGCAACATGT-3'